The following is an entry in ClinVar:

ClinVar aggregate classification (germline): Pathogenic (1 of 4 stars; one submission).

Submission:

Labcorp Genetics (formerly Invitae), Labcorp
Classification: Pathogenic. Last evaluated: 2022-03-15. Review status: criteria provided, single submitter. Criteria: Invitae Variant Classification Sherloc (09022015). Collection method: clinical testing. Allele origin: germline.
Comment: For these reasons, this variant has been classified as Pathogenic. This variant has not been reported in the literature in individuals affected with USH2A-related conditions. This variant is a gross deletion of the genomic region encompassing exon(s) 15-20 of the USH2A gene. This deletion is out-of-frame, and is expected to create a premature termination codon and result in an absent or disrupted protein product. Loss-of-function variants in USH2A are known to be pathogenic (PMID: 10729113, 10909849, 20507924, 25649381).

Literature cited by the submitters: PubMed 10729113; PubMed 10909849; PubMed 20507924; PubMed 25649381.

NC_000001.10:g.(?_216363555)_(216390902_?)del

Gene: USH2A (usherin; minus strand). Cytogenetic location: 1q41.
Variant type: Deletion.
Identifiers: ClinVar variation 2427732 (VCV002427732.4).